The following is an entry in ClinVar:

NM_001845.6(COL4A1):c.3054G>A (p.Leu1018=)

Gene: COL4A1 (collagen type IV alpha 1 chain; minus strand). Cytogenetic location: 13q34.
Variant type: single nucleotide variant.
Coding change: c.3054G>A on transcript NM_001845.6 (MANE Select); coding-DNA position 3054, G replaced by A.
Protein change: p.Leu1018=; no amino-acid change (leucine 1018 retained).
Molecular consequence: synonymous variant.
Genome position (GRCh38, 1-based): chr13:110,176,428, C>T on the plus strand (G>A on the coding strand, the complement: COL4A1 is on the minus strand). VCF-style: chr13-110176428-C-T. GRCh37 (hg19) VCF-style: chr13-110828775-C-T.
Identifiers: ClinVar variation 880719 (VCV000880719.11), dbSNP rs149543327, ClinGen allele CA7047403.

ClinVar aggregate classification (germline): Likely benign. Review status: criteria provided, multiple submitters, no conflicts (2 of 4 stars). 3 submissions from 2 submitters: Likely benign (3). Last evaluated 2026-01-16.

Conditions:
Brain small vessel disease 1 with or without ocular anomalies (BSVD1). Also called: GOULD SYNDROME 1; PORENCEPHALY, TYPE 1, AUTOSOMAL DOMINANT; BRAIN SMALL VESSEL DISEASE WITH HEMORRHAGE; Brain small vessel disease with or without ocular anomalies. Identifiers: Orphanet 2940, Orphanet 36383, Orphanet 99810, MedGen C4755307, MONDO:0008289, OMIM 175780.
Autosomal dominant familial hematuria-retinal arteriolar tortuosity-contractures syndrome. Also called: Hereditary Angiopathy with Nephropathy, Aneurysms, and Muscle Cramps (HANAC) Syndrome; Angiopathy, hereditary, with nephropathy, aneurysms, and muscle cramps. Identifiers: Orphanet 73229, MedGen C2673195, MONDO:0012726, OMIM 611773.

Allele frequency attached by ClinVar (database versions not stated): gnomAD 0.00001; ExAC 0.00002; gnomAD exomes 0.00002 and 0.00003; TOPMed 0.00003; ESP Exome Variant Server 0.00008.
gnomAD v4.1: 37 of 1,611,126 alleles (0.0023%); highest among the groups gnomAD compares: Non-Finnish European, 0.0031%; no homozygotes.

Submissions (3):

Labcorp Genetics (formerly Invitae), Labcorp
Classification: Likely benign. Last evaluated: 2026-01-16. Review status: criteria provided, single submitter. Criteria: Invitae Variant Classification Sherloc (09022015). Collection method: clinical testing. Allele origin: germline.

Illumina Laboratory Services, Illumina
Classification: Likely benign for Autosomal dominant familial hematuria-retinal arteriolar tortuosity-contractures syndrome. Last evaluated: 2018-01-12. Review status: criteria provided, single submitter. Criteria: ICSL Variant Classification Criteria 13 December 2019. Collection method: clinical testing. Allele origin: germline.
Comment: This variant was observed in the ICSL laboratory as part of a predisposition screen in an ostensibly healthy population. It had not been previously curated by ICSL or reported in the Human Gene Mutation Database (HGMD: prior to June 1st, 2018), and was therefore a candidate for classification through an automated scoring system. Utilizing variant allele frequency, disease prevalence and penetrance estimates, and inheritance mode, an automated score was calculated to assess if this variant is too frequent to cause the disease. Based on the score and internal cut-off values, a variant classified as likely benign is not then subjected to further curation. The score for this variant resulted in a classification of likely benign for this disease.

Illumina Laboratory Services, Illumina
Classification: Likely benign for Brain small vessel disease 1 with or without ocular anomalies. Last evaluated: 2018-01-12. Review status: criteria provided, single submitter. Criteria: ICSL Variant Classification Criteria 13 December 2019. Collection method: clinical testing. Allele origin: germline.
Comment: the same text as in the submission from Illumina Laboratory Services, Illumina above.